The following is an entry in ClinVar:

NM_020921.4(NIN):c.3036C>G (p.Ile1012Met)

Gene: NIN (ninein; minus strand). Cytogenetic location: 14q22.1.
Variant type: single nucleotide variant.
Coding change: c.3036C>G on transcript NM_020921.4 (MANE Select); coding-DNA position 3036, C replaced by G.
Protein change: p.Ile1012Met; replaces isoleucine 1012 with methionine.
Molecular consequence: missense variant. On other transcripts: intron variant (1).
Genome position (GRCh38, 1-based): chr14:50,757,994, G>C on the plus strand (C>G on the coding strand, the complement: NIN is on the minus strand). VCF-style: chr14-50757994-G-C. GRCh37 (hg19) VCF-style: chr14-51224712-G-C.
Other names: c.3036C>G, p.Ile1012Met (NM_182944.3, NM_182946.2); c.2399+1863C>G (NM_016350.5); short protein forms I1012M.
Identifiers: ClinVar variation 2696973 (VCV002696973.3), dbSNP rs1595788683, ClinGen allele CA389698615.

ClinVar aggregate classification (germline): Uncertain significance (1 of 4 stars; one submission).

Submission:

Labcorp Genetics (formerly Invitae), Labcorp
Classification: Uncertain significance. Last evaluated: 2023-11-28. Review status: criteria provided, single submitter. Criteria: Invitae Variant Classification Sherloc (09022015). Collection method: clinical testing. Allele origin: germline.
Comment: This sequence change replaces isoleucine, which is neutral and non-polar, with methionine, which is neutral and non-polar, at codon 1012 of the NIN protein (p.Ile1012Met). This variant is not present in population databases (gnomAD no frequency). This variant has not been reported in the literature in individuals affected with NIN-related conditions. An algorithm developed to predict the effect of missense changes on protein structure and function (PolyPhen-2) suggests that this variant is likely to be disruptive. In summary, the available evidence is currently insufficient to determine the role of this variant in disease. Therefore, it has been classified as a Variant of Uncertain Significance.